The following is an entry in ClinVar:

NM_014444.5(TUBGCP4):c.131G>A (p.Arg44Gln)

Gene: TUBGCP4 (tubulin gamma complex component 4; plus strand). Cytogenetic location: 15q15.3.
Variant type: single nucleotide variant.
Coding change: c.131G>A on transcript NM_014444.5 (MANE Select); coding-DNA position 131, G replaced by A.
Protein change: p.Arg44Gln; replaces arginine 44 with glutamine.
Molecular consequence: missense variant.
Genome position (GRCh38, 1-based): chr15:43,376,150, G>A. VCF-style: chr15-43376150-G-A. GRCh37 (hg19) VCF-style: chr15-43668348-G-A.
Other names: c.131G>A (NM_014444.2); c.131G>A, p.Arg44Gln (NM_001286414.3); short protein forms R44Q.
Identifiers: ClinVar variation 2111483 (VCV002111483.6), dbSNP rs2044201265, ClinGen allele CA392114662.
Genomic context (GRCh38, chr15:43,376,150, plus strand): 5'-TCCTGCAGGTATCGCAGGACTTCCCTTTCCTCCACCCCAGTGAGACCAGTGTCCTGAATC[G>A]ACTCTGCCGGCTCGGCACAGACTATATTCGCTTCACTGAGTTCATTGAACAGTACACGGG-3'
Protein context (NP_055259.2, residues 34-54): LHPSETSVLN[Arg44Gln]LCRLGTDYIR

ClinVar aggregate classification (germline): Uncertain significance. Review status: criteria provided, multiple submitters, no conflicts (2 of 4 stars). 2 submissions from 2 submitters: Uncertain significance (2). Last evaluated 2023-05-08.

Conditions:
Inborn genetic diseases. Identifiers: MedGen C0950123, MeSH D030342.

Allele frequency attached by ClinVar (database versions not stated): gnomAD exomes below 0.00001; gnomAD 0.00001; TOPMed 0.00001.
gnomAD v4.1: 4 of 1,613,926 alleles (0.00025%); highest among the groups gnomAD compares: Non-Finnish European, 0.00034%; no homozygotes.

Submissions (2):

Ambry Genetics
Classification: Uncertain significance for Inborn genetic diseases. Last evaluated: 2023-05-08. Review status: criteria provided, single submitter. Criteria: Ambry Variant Classification Scheme 2023. Collection method: clinical testing. Allele origin: germline.

Labcorp Genetics (formerly Invitae), Labcorp
Classification: Uncertain significance. Last evaluated: 2022-03-13. Review status: criteria provided, single submitter. Criteria: Invitae Variant Classification Sherloc (09022015). Collection method: clinical testing. Allele origin: germline.
Comment: In summary, the available evidence is currently insufficient to determine the role of this variant in disease. Therefore, it has been classified as a Variant of Uncertain Significance. Algorithms developed to predict the effect of missense changes on protein structure and function (SIFT, PolyPhen-2, Align-GVGD) all suggest that this variant is likely to be tolerated. This variant has not been reported in the literature in individuals affected with TUBGCP4-related conditions. This variant is not present in population databases (gnomAD no frequency). This sequence change replaces arginine, which is basic and polar, with glutamine, which is neutral and polar, at codon 44 of the TUBGCP4 protein (p.Arg44Gln).